The following is an entry in ClinVar:

ClinVar aggregate classification (germline): Uncertain significance (1 of 4 stars; one submission).

Conditions:
Developmental and epileptic encephalopathy, 54. Also called: Epileptic encephalopathy, early infantile, 54; HNRNPU-Related Neurodevelopmental Disorder. Identifiers: MedGen C4479319, MONDO:0033363, OMIM 617391.

Submission:

Labcorp Genetics (formerly Invitae), Labcorp
Classification: Uncertain significance for Developmental and epileptic encephalopathy, 54. Last evaluated: 2021-12-02. Review status: criteria provided, single submitter. Criteria: Invitae Variant Classification Sherloc (09022015). Collection method: clinical testing. Allele origin: germline.
Comment: This sequence change results in a frameshift in the HNRNPU gene (p.Asn797Lysfs*56). While this is not anticipated to result in nonsense mediated decay, it is expected to disrupt the last 29 amino acid(s) of the HNRNPU protein and extend the protein by 26 additional amino acid residues. This variant is not present in population databases (gnomAD no frequency). This variant has not been reported in the literature in individuals affected with HNRNPU-related conditions. This variant disrupts a region of the HNRNPU protein in which other variant(s) (p.Tyr824*) have been observed in individuals with HNRNPU-related conditions (PMID: 23708187). This suggests that this is a clinically significant region of the protein, and that variants that disrupt it are likely to be disease-causing. In summary, the available evidence is currently insufficient to determine the role of this variant in disease. Therefore, it has been classified as a Variant of Uncertain Significance.

Literature cited by the submitters: PubMed 23708187.

NM_031844.3(HNRNPU):c.2390dup (p.Asn797fs)

Gene: HNRNPU (heterogeneous nuclear ribonucleoprotein U; minus strand). Cytogenetic location: 1q44.
Variant type: Duplication.
Coding change: c.2390dup on transcript NM_031844.3 (MANE Select); coding-DNA position 2390, one base duplicated (A; older notation c.2390dupA).
Protein change: p.Asn797fs; shifts the reading frame from asparagine 797.
Molecular consequence: frameshift variant.
Genome position (GRCh38, 1-based): chr1:244,855,007, T duplicated on the plus strand (A on the coding strand, the reverse complement: HNRNPU is on the minus strand); the first of 5 consecutive T bases (chr1:244,855,007-244,855,011); duplicating any one gives the same sequence. VCF-style (leftmost placement, unchanged base first): chr1-244855006-A-AT. GRCh37 (hg19) VCF-style: chr1-245018308-A-AT.
Other names: c.2333dup, p.Asn778fs (NM_004501.3); short protein forms N797fs, N778fs.
Identifiers: ClinVar variation 1511487 (VCV001511487.6), dbSNP rs2102984672, ClinGen allele CA2573132951.